The following is an entry in ClinVar:

ClinVar aggregate classification (germline): Uncertain significance (1 of 4 stars; one submission).

Conditions:
Alstrom syndrome (ALMS). Identifiers: Orphanet 64, MedGen C0268425, MONDO:0008763, OMIM 203800.

Submission:

Labcorp Genetics (formerly Invitae), Labcorp
Classification: Uncertain significance for Alstrom syndrome. Last evaluated: 2021-08-26. Review status: criteria provided, single submitter. Criteria: Invitae Variant Classification Sherloc (09022015). Collection method: clinical testing. Allele origin: germline.
Comment: In summary, the available evidence is currently insufficient to determine the role of this variant in disease. Therefore, it has been classified as a Variant of Uncertain Significance. Experimental studies and prediction algorithms are not available or were not evaluated, and the functional significance of this variant is currently unknown. This variant has not been reported in the literature in individuals affected with ALMS1-related conditions. This variant is not present in population databases (ExAC no frequency). This sequence change replaces arginine with glycine at codon 2565 of the ALMS1 protein (p.Arg2565Gly). The arginine residue is moderately conserved and there is a moderate physicochemical difference between arginine and glycine.

NM_001378454.1(ALMS1):c.7690C>G (p.Arg2564Gly)

Gene: ALMS1 (ALMS1 centrosome and basal body associated protein; plus strand). Cytogenetic location: 2p13.1.
Variant type: single nucleotide variant.
Coding change: c.7690C>G on transcript NM_001378454.1 (MANE Select); coding-DNA position 7690, C replaced by G.
Protein change: p.Arg2564Gly; replaces arginine 2564 with glycine.
Molecular consequence: missense variant.
Genome position (GRCh38, 1-based): chr2:73,489,649, C>G. VCF-style: chr2-73489649-C-G. GRCh37 (hg19) VCF-style: chr2-73716776-C-G.
Other names: c.7693C>G, p.Arg2565Gly (NM_015120.4); short protein forms R2565G, R2564G.
Identifiers: ClinVar variation 1377690 (VCV001377690.6), dbSNP rs554047243, ClinGen allele CA347263857.